The following is an entry in ClinVar:

NM_004408.4(DNM1):c.2540C>T (p.Ser847Leu)

Gene: DNM1 (dynamin 1; plus strand). Cytogenetic location: 9q34.11.
Variant type: single nucleotide variant.
Coding change: c.2540C>T on transcript NM_004408.4 (MANE Select); coding-DNA position 2540, C replaced by T.
Protein change: p.Ser847Leu; replaces serine 847 with leucine.
Molecular consequence: missense variant. On other transcripts: 3 prime UTR variant (3).
Genome position (GRCh38, 1-based): chr9:128,254,659, C>T. VCF-style: chr9-128254659-C-T. GRCh37 (hg19) VCF-style: chr9-131016938-C-T.
Other names: c.*21C>T (NM_001005336.3, NM_001288737.2); c.*666C>T (NM_001288738.2); c.2540C>T, p.Ser847Leu (NM_001288739.2); short protein forms S847L.
Identifiers: ClinVar variation 377087 (VCV000377087.14), dbSNP rs199498658, ClinGen allele CA5258494.

ClinVar aggregate classification (germline): Benign/Likely benign. Review status: criteria provided, multiple submitters, no conflicts (2 of 4 stars). 3 submissions from 3 submitters: Benign (1); Likely benign (2). Last evaluated 2025-04-17.

Conditions:
Developmental and epileptic encephalopathy, 31A. Also called: Developmental and epileptic encephalopathy, 31; Epileptic encephalopathy, early infantile, 31. Identifiers: Orphanet 2382, MedGen C4225357, MONDO:0014598, OMIM 616346.

Allele frequency attached by ClinVar (database versions not stated): TOPMed 0.00004; ESP Exome Variant Server 0.00013; gnomAD exomes 0.00022 and 0.00048; ExAC 0.00064; gnomAD 0.00069 and 0.00076.
gnomAD v4.1: 421 of 1,596,020 alleles (0.026%); highest among the groups gnomAD compares: East Asian, 0.0045%; 3 homozygotes.

Submissions (3):

Labcorp Genetics (formerly Invitae), Labcorp
Classification: Benign for Developmental and epileptic encephalopathy, 31A. Last evaluated: 2025-04-17. Review status: criteria provided, single submitter. Criteria: Invitae Variant Classification Sherloc (09022015). Collection method: clinical testing. Allele origin: germline.

Blueprint Genetics
Classification: Likely benign. Last evaluated: 2024-11-11. Review status: criteria provided, single submitter. Criteria: ACMG Guidelines, 2015. Collection method: clinical testing. Allele origin: germline.

Center for Pediatric Genomic Medicine, Children's Mercy Hospital and Clinics
Classification: Likely benign. Last evaluated: 2016-09-02. Review status: criteria provided, single submitter. Criteria: ACMG Guidelines, 2015. Collection method: clinical testing. Allele origin: germline.
ClinVar note: Converted during submission from Likely Benign to Likely benign.